The following is an entry in ClinVar:

NM_001267550.2(TTN):c.10759A>C (p.Thr3587Pro)

Gene: TTN (titin; minus strand). Cytogenetic location: 2q31.2.
Variant type: single nucleotide variant.
Coding change: c.10759A>C on transcript NM_001267550.2 (MANE Select); coding-DNA position 10759, A replaced by C.
Protein change: p.Thr3587Pro; replaces threonine 3587 with proline.
Molecular consequence: missense variant. On other transcripts: intron variant (5).
Genome position (GRCh38, 1-based): chr2:178,756,717, T>G on the plus strand (A>C on the coding strand, the complement: TTN is on the minus strand). VCF-style: chr2-178756717-T-G. GRCh37 (hg19) VCF-style: chr2-179621444-T-G.
Other names: c.10246A>C, p.Thr3416Pro (NM_133437.4); c.10165+2267A>C (NM_003319.4); c.10540+825A>C (NM_133432.3); c.10303+2267A>C (NM_133378.4, NM_001256850.1, NM_133379.5); short protein forms T3587P, T3416P.
Identifiers: ClinVar variation 535217 (VCV000535217.6), dbSNP rs370496599, ClinGen allele CA60993591.

ClinVar aggregate classification (germline): Conflicting classifications of pathogenicity. Review status: criteria provided, conflicting classifications (1 of 4 stars). 3 submissions from 3 submitters: Uncertain significance (2); Likely benign (1). Last evaluated 2025-11-05.

Conditions:
TTN-related disorder. Also called: TTN-related condition; TTN-related disease; TTN-related disorders.
Dilated cardiomyopathy 1G (CMD1G). Identifiers: Orphanet 154, MedGen C1858763, MONDO:0011400, OMIM 604145.
Autosomal recessive limb-girdle muscular dystrophy type 2J (LGMDR10). Also called: MUSCULAR DYSTROPHY, LIMB-GIRDLE, AUTOSOMAL RECESSIVE 10; Limb-girdle muscular dystrophy, type 2J. Identifiers: Orphanet 140922, MedGen C1837342, MONDO:0012127, OMIM 608807.

Allele frequency attached by ClinVar (database versions not stated): gnomAD exomes below 0.00001; gnomAD 0.00007 and 0.00011; ESP Exome Variant Server 0.00008; TOPMed 0.00009.
gnomAD v4.1: 13 of 1,613,750 alleles (0.00081%); highest among the groups gnomAD compares: African/African-American, 0.016%; no homozygotes.

Submissions (3):

PreventionGenetics, part of Exact Sciences
Classification: Uncertain significance for TTN-related condition. Last evaluated: 2025-11-05. Review status: criteria provided, single submitter. Criteria: ACMG Guidelines, 2015. Collection method: clinical testing. Allele origin: germline.
Comment: The TTN c.10759A>C variant is predicted to result in the amino acid substitution p.Thr3587Pro. To our knowledge, this variant has not been reported in the literature. This variant is reported in 0.034% of alleles in individuals of African descent in gnomAD. At this time, the clinical significance of this variant is uncertain due to the absence of conclusive functional and genetic evidence.

GeneDx
Classification: Likely benign. Last evaluated: 2021-02-04. Review status: criteria provided, single submitter. Criteria: GeneDx Variant Classification Process June 2021. Collection method: clinical testing. Allele origin: germline. Affected: yes.

Labcorp Genetics (formerly Invitae), Labcorp
Classification: Uncertain significance for Dilated cardiomyopathy 1G; Autosomal recessive limb-girdle muscular dystrophy type 2J. Last evaluated: 2017-10-24. Review status: criteria provided, single submitter. Criteria: Invitae Variant Classification Sherloc (09022015). Collection method: clinical testing. Allele origin: germline.